The following is an entry in ClinVar:

NM_014055.4(IFT81):c.201C>A (p.Ser67Arg)

Gene: IFT81 (intraflagellar transport 81; plus strand). Cytogenetic location: 12q24.11.
Variant type: single nucleotide variant.
Coding change: c.201C>A on transcript NM_014055.4 (MANE Select); coding-DNA position 201, C replaced by A.
Protein change: p.Ser67Arg; replaces serine 67 with arginine.
Molecular consequence: missense variant. On other transcripts: 5 prime UTR variant (2), non-coding transcript variant (4).
Genome position (GRCh38, 1-based): chr12:110,128,102, C>A. VCF-style: chr12-110128102-C-A. GRCh37 (hg19) VCF-style: chr12-110565907-C-A.
Other names: c.201C>A, p.Ser67Arg (NM_001143779.2, NM_001347946.2, NM_031473.4); c.-566C>A (NM_001347947.2, NM_001347948.2); c.201C>A (NM_014055.3); short protein forms S67R.
Identifiers: ClinVar variation 1018736 (VCV001018736.6), dbSNP rs748400822, ClinGen allele CA6783019.

ClinVar aggregate classification (germline): Uncertain significance. Review status: criteria provided, multiple submitters, no conflicts (2 of 4 stars). 2 submissions from 2 submitters: Uncertain significance (2). Last evaluated 2025-03-17.

Conditions:
Inborn genetic diseases. Identifiers: MedGen C0950123, MeSH D030342.

Allele frequency attached by ClinVar (database versions not stated): gnomAD 0.00001; ExAC 0.00002; gnomAD exomes 0.00002; TOPMed 0.00002.
gnomAD v4.1: 36 of 1,613,240 alleles (0.0022%); highest among the groups gnomAD compares: Middle Eastern, 0.016%; no homozygotes.

Submissions (2):

Labcorp Genetics (formerly Invitae), Labcorp
Classification: Uncertain significance. Last evaluated: 2025-03-17. Review status: criteria provided, single submitter. Criteria: Invitae Variant Classification Sherloc (09022015). Collection method: clinical testing. Allele origin: germline.
Comment: This sequence change replaces serine, which is neutral and polar, with arginine, which is basic and polar, at codon 67 of the IFT81 protein (p.Ser67Arg). This variant is present in population databases (rs748400822, gnomAD 0.006%). This variant has not been reported in the literature in individuals affected with IFT81-related conditions. ClinVar contains an entry for this variant (Variation ID: 1018736). Invitae Evidence Modeling of protein sequence and biophysical properties (such as structural, functional, and spatial information, amino acid conservation, physicochemical variation, residue mobility, and thermodynamic stability) has been performed for this missense variant. However, the output from this modeling did not meet the statistical confidence thresholds required to predict the impact of this variant on IFT81 protein function. In summary, the available evidence is currently insufficient to determine the role of this variant in disease. Therefore, it has been classified as a Variant of Uncertain Significance.

Ambry Genetics
Classification: Uncertain significance for Inborn genetic diseases. Last evaluated: 2024-08-05. Review status: criteria provided, single submitter. Criteria: Ambry Variant Classification Scheme 2023. Collection method: clinical testing. Allele origin: germline.